The following is an entry in ClinVar:

ClinVar aggregate classification (germline): Uncertain significance (1 of 4 stars; one submission).

Allele frequency attached by ClinVar (database versions not stated): gnomAD exomes below 0.00001; TOPMed below 0.00001; gnomAD 0.00001; ESP Exome Variant Server 0.00008.
gnomAD v4.1: 3 of 1,609,818 alleles (0.00019%); highest among the groups gnomAD compares: African/African-American, 0.0027%; no homozygotes.

Submission:

GeneDx
Classification: Uncertain significance. Last evaluated: 2023-08-08. Review status: criteria provided, single submitter. Criteria: GeneDx Variant Classification Process June 2021. Collection method: clinical testing. Allele origin: germline. Affected: yes.
Comment: This MYH11 variant that is present in an alternate transcript, has not been previously published as pathogenic or benign to our knowledge; In silico analysis supports that this variant does not have an impact on protein function.

NM_001040113.2(MYH11):c.5824G>A (p.Glu1942Lys)

Genes: MYH11 (myosin heavy chain 11; minus strand), NDE1 (nudE neurodevelopment protein 1; plus strand). Cytogenetic location: 16p13.11.
Variant type: single nucleotide variant.
Coding change: c.5824G>A on transcript NM_001040113.2 (MANE Plus Clinical); coding-DNA position 5824, G replaced by A.
Protein change: p.Glu1942Lys; replaces glutamic acid 1942 with lysine.
Molecular consequence: missense variant. On other transcripts: intron variant (4).
Genome position (GRCh38, 1-based): chr16:15,708,825, C>T on the plus strand (G>A on the coding strand, the complement: MYH11 is on the minus strand). VCF-style: chr16-15708825-C-T. GRCh37 (hg19) VCF-style: chr16-15802682-C-T.
Other names: c.5803G>A, p.Glu1935Lys (NM_022844.3); c.947+11965C>T (NM_001143979.2, NM_017668.3); c.5787-4702G>A (NM_002474.3); c.5808-4702G>A (NM_001040114.2); short protein forms E1935K, E1942K.
Identifiers: ClinVar variation 2575725 (VCV002575725.1), dbSNP rs377366100, ClinGen allele CA278585557.